The following is an entry in ClinVar:

NM_000540.3(RYR1):c.4613T>C (p.Phe1538Ser)

Gene: RYR1 (ryanodine receptor 1; plus strand). Cytogenetic location: 19q13.2.
Variant type: single nucleotide variant.
Coding change: c.4613T>C on transcript NM_000540.3 (MANE Select); coding-DNA position 4613, T replaced by C.
Protein change: p.Phe1538Ser; replaces phenylalanine 1538 with serine.
Molecular consequence: missense variant.
Genome position (GRCh38, 1-based): chr19:38,478,593, T>C. VCF-style: chr19-38478593-T-C. GRCh37 (hg19) VCF-style: chr19-38969233-T-C.
Other names: c.4613T>C, p.Phe1538Ser (NM_001042723.2); short protein forms F1538S.
Identifiers: ClinVar variation 2757889 (VCV002757889.4), dbSNP rs2514185763, ClinGen allele CA405648266.

ClinVar aggregate classification (germline): Uncertain significance. Review status: criteria provided, multiple submitters, no conflicts (2 of 4 stars). 2 submissions from 2 submitters: Uncertain significance (2). Last evaluated 2024-08-06.

Conditions:
Malignant hyperthermia, susceptibility to, 1 (MHS1). Also called: Malignant hyperthermia suceptibility 1; Anesthesia related hyperthermia; Malignant hyperpyrexia; Fulminating hyperpyrexia; Pharmacogenic myopathy; RYR1-Related Malignant Hyperthermia Susceptibility. Identifiers: Orphanet 423, MedGen C2930980, MONDO:0007783, OMIM 145600.
RYR1-related disorder. Also called: RYR1-related condition; RYR1-related disorders. Identifiers: MedGen CN239331.

Submissions (2):

All of Us Research Program, National Institutes of Health
Classification: Uncertain significance for Malignant hyperthermia, susceptibility to, 1. Last evaluated: 2024-08-06. Review status: criteria provided, single submitter. Criteria: ACMG Guidelines, 2015. Collection method: clinical testing. Allele origin: germline. Inheritance: Autosomal dominant inheritance. Observed: 1 variant allele, 1 heterozygote.
Comment: This study involves interpretation of variants in research participants for the purpose of population health screening. Participant phenotype was not available at the time of variant classification. Additional details can be found in publication PMID: 35346344, PMCID: PMC8962531

Labcorp Genetics (formerly Invitae), Labcorp
Classification: Uncertain significance for RYR1-related disorder. Last evaluated: 2023-09-04. Review status: criteria provided, single submitter. Criteria: Invitae Variant Classification Sherloc (09022015). Collection method: clinical testing. Allele origin: germline.
Comment: In summary, the available evidence is currently insufficient to determine the role of this variant in disease. Therefore, it has been classified as a Variant of Uncertain Significance. Advanced modeling of protein sequence and biophysical properties (such as structural, functional, and spatial information, amino acid conservation, physicochemical variation, residue mobility, and thermodynamic stability) performed at Invitae indicates that this missense variant is not expected to disrupt RYR1 protein function. This variant has not been reported in the literature in individuals affected with RYR1-related conditions. This variant is not present in population databases (gnomAD no frequency). This sequence change replaces phenylalanine, which is neutral and non-polar, with serine, which is neutral and polar, at codon 1538 of the RYR1 protein (p.Phe1538Ser).